The following is an entry in ClinVar:

ClinVar aggregate classification (germline): Uncertain significance (1 of 4 stars; one submission).

Conditions:
Ullrich congenital muscular dystrophy 2 (UCMD2). Identifiers: Orphanet 75840, MedGen C4225314, MONDO:0014654, OMIM 616470.
Bethlem myopathy 2 (BTHLM2). Identifiers: Orphanet 536516, Orphanet 610, MedGen C4225313, MONDO:0034022, OMIM 616471.

Submission:

Labcorp Genetics (formerly Invitae), Labcorp
Classification: Uncertain significance for Bethlem myopathy 2; Ullrich congenital muscular dystrophy 2. Last evaluated: 2019-07-09. Review status: criteria provided, single submitter. Criteria: Invitae Variant Classification Sherloc (09022015). Collection method: clinical testing. Allele origin: germline.
Comment: This variant is not present in population databases (ExAC no frequency). This sequence change replaces glutamic acid with alanine at codon 2588 of the COL12A1 protein (p.Glu2588Ala). The glutamic acid residue is highly conserved and there is a moderate physicochemical difference between glutamic acid and alanine. This variant has not been reported in the literature in individuals with COL12A1-related conditions. Algorithms developed to predict the effect of missense changes on protein structure and function (SIFT, PolyPhen-2, Align-GVGD) all suggest that this variant is likely to be disruptive, but these predictions have not been confirmed by published functional studies and their clinical significance is uncertain. In summary, the available evidence is currently insufficient to determine the role of this variant in disease. Therefore, it has been classified as a Variant of Uncertain Significance.

NM_004370.6(COL12A1):c.7763A>C (p.Glu2588Ala)

Gene: COL12A1 (collagen type XII alpha 1 chain; minus strand). Cytogenetic location: 6q13.
Variant type: single nucleotide variant.
Coding change: c.7763A>C on transcript NM_004370.6 (MANE Select); coding-DNA position 7763, A replaced by C.
Protein change: p.Glu2588Ala; replaces glutamic acid 2588 with alanine.
Molecular consequence: missense variant.
Genome position (GRCh38, 1-based): chr6:75,113,679, T>G on the plus strand (A>C on the coding strand, the complement: COL12A1 is on the minus strand). VCF-style: chr6-75113679-T-G. GRCh37 (hg19) VCF-style: chr6-75823395-T-G.
Other names: c.4271A>C, p.Glu1424Ala (NM_080645.3); short protein forms E2588A, E1424A.
Identifiers: ClinVar variation 956526 (VCV000956526.10), dbSNP rs1768943469, ClinGen allele CA364744361.